The following is an entry in ClinVar:

NM_014055.4(IFT81):c.746G>T (p.Ser249Ile)

Gene: IFT81 (intraflagellar transport 81; plus strand). Cytogenetic location: 12q24.11.
Variant type: single nucleotide variant.
Coding change: c.746G>T on transcript NM_014055.4 (MANE Select); coding-DNA position 746, G replaced by T.
Protein change: p.Ser249Ile; replaces serine 249 with isoleucine.
Molecular consequence: missense variant. On other transcripts: 5 prime UTR variant (2), non-coding transcript variant (4).
Genome position (GRCh38, 1-based): chr12:110,136,825, G>T. VCF-style: chr12-110136825-G-T. GRCh37 (hg19) VCF-style: chr12-110574630-G-T.
Other names: c.746G>T, p.Ser249Ile (NM_001143779.2, NM_001347946.2, NM_031473.4); c.-21G>T (NM_001347947.2, NM_001347948.2); c.746G>T (NM_014055.3); short protein forms S249I.
Identifiers: ClinVar variation 1046885 (VCV001046885.12), dbSNP rs369905475, ClinGen allele CA6783177.

ClinVar aggregate classification (germline): Uncertain significance. Review status: criteria provided, multiple submitters, no conflicts (2 of 4 stars). 2 submissions from 2 submitters: Uncertain significance (2). Last evaluated 2025-12-09.

Conditions:
Inborn genetic diseases. Identifiers: MedGen C0950123, MeSH D030342.

Allele frequency attached by ClinVar (database versions not stated): gnomAD 0.00003 and 0.00004; TOPMed 0.00003; gnomAD exomes 0.00004 and 0.00005; ExAC 0.00006.
gnomAD v4.1: 79 of 1,612,630 alleles (0.0049%); highest among the groups gnomAD compares: Non-Finnish European, 0.0043%; no homozygotes.

Submissions (2):

Ambry Genetics
Classification: Uncertain significance for Inborn genetic diseases. Last evaluated: 2025-12-09. Review status: criteria provided, single submitter. Criteria: Ambry Variant Classification Scheme 2023. Collection method: clinical testing. Allele origin: germline.

Labcorp Genetics (formerly Invitae), Labcorp
Classification: Uncertain significance. Last evaluated: 2025-02-27. Review status: criteria provided, single submitter. Criteria: Invitae Variant Classification Sherloc (09022015). Collection method: clinical testing. Allele origin: germline.
Comment: This sequence change replaces serine, which is neutral and polar, with isoleucine, which is neutral and non-polar, at codon 249 of the IFT81 protein (p.Ser249Ile). This variant is present in population databases (rs369905475, gnomAD 0.02%). This variant has not been reported in the literature in individuals affected with IFT81-related conditions. ClinVar contains an entry for this variant (Variation ID: 1046885). Invitae Evidence Modeling of protein sequence and biophysical properties (such as structural, functional, and spatial information, amino acid conservation, physicochemical variation, residue mobility, and thermodynamic stability) indicates that this missense variant is not expected to disrupt IFT81 protein function with a negative predictive value of 80%. In summary, the available evidence is currently insufficient to determine the role of this variant in disease. Therefore, it has been classified as a Variant of Uncertain Significance.